The following is an entry in ClinVar:

ClinVar aggregate classification (germline): Uncertain significance. Review status: criteria provided, multiple submitters, no conflicts (2 of 4 stars). 2 submissions from 2 submitters: Uncertain significance (2). Last evaluated 2025-04-10.

gnomAD v4.1: 45 of 1,613,720 alleles (0.0028%); highest among the groups gnomAD compares: African/African-American, 0.004%; no homozygotes.

Submissions (2):

Ambry Genetics
Classification: Uncertain significance. Last evaluated: 2025-04-10. Review status: criteria provided, single submitter. Criteria: Ambry Variant Classification Scheme 2023. Collection method: clinical testing. Allele origin: germline.

Labcorp Genetics (formerly Invitae), Labcorp
Classification: Uncertain significance. Last evaluated: 2022-07-26. Review status: criteria provided, single submitter. Criteria: Invitae Variant Classification Sherloc (09022015). Collection method: clinical testing. Allele origin: germline.
Comment: This sequence change replaces isoleucine, which is neutral and non-polar, with leucine, which is neutral and non-polar, at codon 136 of the IL2RB protein (p.Ile136Leu). This variant is present in population databases (rs764222346, gnomAD 0.003%). This variant has not been reported in the literature in individuals affected with IL2RB-related conditions. ClinVar contains an entry for this variant (Variation ID: 1405603). Algorithms developed to predict the effect of missense changes on protein structure and function (SIFT, PolyPhen-2, Align-GVGD) all suggest that this variant is likely to be tolerated. In summary, the available evidence is currently insufficient to determine the role of this variant in disease. Therefore, it has been classified as a Variant of Uncertain Significance.

NM_000878.5(IL2RB):c.406A>C (p.Ile136Leu)

Gene: IL2RB (interleukin 2 receptor subunit beta; minus strand). Cytogenetic location: 22q12.3.
Variant type: single nucleotide variant.
Coding change: c.406A>C on transcript NM_000878.5 (MANE Select); coding-DNA position 406, A replaced by C.
Protein change: p.Ile136Leu; replaces isoleucine 136 with leucine.
Molecular consequence: missense variant.
Genome position (GRCh38, 1-based): chr22:37,137,718, T>G on the plus strand (A>C on the coding strand, the complement: IL2RB is on the minus strand). VCF-style: chr22-37137718-T-G. GRCh37 (hg19) VCF-style: chr22-37533758-T-G.
Other names: c.406A>C, p.Ile136Leu (NM_001346222.1, NM_001346223.2); c.406A>C (NM_000878.2); short protein forms I136L.
Identifiers: ClinVar variation 1405603 (VCV001405603.6), dbSNP rs764222346, ClinGen allele CA10216621.